The following is an entry in ClinVar:

NM_001199397.3(NEK1):c.2007+1G>C

Gene: NEK1 (NIMA related kinase 1; minus strand). Cytogenetic location: 4q33.
Variant type: single nucleotide variant.
Coding change: c.2007+1G>C on transcript NM_001199397.3 (MANE Select); the canonical splice donor site of the intron after coding-DNA position 2007, G replaced by C.
Molecular consequence: splice donor variant. On other transcripts: intron variant (1).
Genome position (GRCh38, 1-based): chr4:169,507,036, C>G on the plus strand (G>C on the coding strand, the complement: NEK1 is on the minus strand). VCF-style: chr4-169507036-C-G. GRCh37 (hg19) VCF-style: chr4-170428187-C-G.
Other names: c.1170+1G>C (NM_001440625.1); c.1302+1G>C (NM_001440624.1); c.1701+679G>C (NM_001374421.1); c.1872+1G>C (NM_001374420.1); c.1716+1G>C (NM_001199399.3); c.1791+1G>C (NM_001440623.1, NM_001199400.3); c.1875+1G>C (NM_001440622.1, NM_001199398.3); c.1923+1G>C (NM_001440621.1, NM_001374419.1, NM_012224.4); and 1 more.
Identifiers: ClinVar variation 4998150 (VCV004998150.1).

ClinVar aggregate classification (germline): Likely pathogenic (1 of 4 stars; one submission).

Conditions:
NEK1-related disorder. Also called: NEK1-related condition.

gnomAD v4.1: 1 of 1,600,060 alleles (0.000062%); highest among the groups gnomAD compares: Non-Finnish European, 0.000085%; no homozygotes.

Submission:

PreventionGenetics, part of Exact Sciences
Classification: Likely pathogenic for NEK1-related condition. Last evaluated: 2025-03-25. Review status: criteria provided, single submitter. Criteria: ACMG Guidelines, 2015. Collection method: clinical testing. Allele origin: germline.
Comment: The NEK1 c.1923+1G>C variant is predicted to disrupt the GT donor site and interfere with normal splicing. To our knowledge, this variant has not been reported in the literature or in a large population database (gnomAD), indicating this variant is rare. Variants that disrupt the consensus splice donor site in NEK1 are expected to be pathogenic. This variant is interpreted as likely pathogenic.